The following is an entry in ClinVar:

NM_001384140.1(PCDH15):c.986-208_986-205del

Gene: PCDH15 (protocadherin related 15; minus strand). Cytogenetic location: 10q21.1.
Variant type: Deletion.
Coding change: c.986-208_986-205del on transcript NM_001384140.1 (MANE Select); 208 bases into the intron before coding-DNA position 986 through 205 bases into the intron before coding-DNA position 986, 4 bases deleted (AACA; older notation c.986-208_986-205delAACA).
Molecular consequence: intron variant.
Genome position (GRCh38, 1-based): chr10:54,214,253-54,214,256, TGTT deleted on the plus strand (AACA on the coding strand, the reverse complement: PCDH15 is on the minus strand); deleting any 4 consecutive bases within chr10:54,214,253-54,214,258 gives the same sequence; the c. name uses the placement nearest the transcript's 3' end. VCF-style (leftmost placement, unchanged base first): chr10-54214252-ATGTT-A. GRCh37 (hg19) VCF-style: chr10-55974012-ATGTT-A.
Other names: c.986-208_986-205del (NM_001354420.2, NM_001354429.2, NM_001142772.2 and 7 more transcripts); c.1001-208_1001-205del (NM_001142771.2, NM_001142769.3, NM_001142763.2); c.920-208_920-205del (NM_001354404.2, NM_001142773.2, NM_001142768.2); c.875-208_875-205del (NM_001142767.2).
Identifiers: ClinVar variation 678848 (VCV000678848.1), dbSNP rs35744658, ClinGen allele CA207245250.

ClinVar aggregate classification (germline): Benign (1 of 4 stars; one submission).

Submission:

GeneDx
Classification: Benign. Last evaluated: 2018-06-14. Review status: criteria provided, single submitter. Criteria: GeneDx Variant Classification (06012015). Collection method: clinical testing. Allele origin: germline. Affected: yes.
Comment: This variant is considered likely benign or benign based on one or more of the following criteria: it is a conservative change, it occurs at a poorly conserved position in the protein, it is predicted to be benign by multiple in silico algorithms, and/or has population frequency not consistent with disease.